The following is an entry in ClinVar:

ClinVar aggregate classification (germline): Uncertain significance. Review status: criteria provided, multiple submitters, no conflicts (2 of 4 stars). 6 submissions from 6 submitters: Uncertain significance (6). Last evaluated 2025-10-02.

Conditions:
Hereditary cancer-predisposing syndrome. Also called: Hereditary neoplastic syndrome; Neoplastic Syndromes, Hereditary; Hereditary Cancer Syndrome; Tumor predisposition. Identifiers: Orphanet 140162, MedGen C0027672, MeSH D009386, MONDO:0015356.
Familial cancer of breast. Also called: Hereditary breast cancer; BREAST CANCER, FAMILIAL; hereditary breast carcinoma. Identifiers: Orphanet 227535, MedGen C0346153, MONDO:0016419, OMIM 114480. Disease mechanism: loss of function.

Allele frequency attached by ClinVar (database versions not stated): gnomAD exomes below 0.00001; ExAC 0.00001; TOPMed 0.00002.
gnomAD v4.1: 7 of 1,613,538 alleles (0.00043%); highest among the groups gnomAD compares: East Asian, 0.0022%; no homozygotes.

Submissions (6):

Ambry Genetics
Classification: Uncertain significance for Hereditary cancer-predisposing syndrome. Last evaluated: 2025-10-02. Review status: criteria provided, single submitter. Criteria: Ambry Variant Classification Scheme 2023. Collection method: clinical testing. Allele origin: germline.
Comment: The p.I440L variant (also known as c.1318A>C), located in coding exon 11 of the CHEK2 gene, results from an A to C substitution at nucleotide position 1318. The isoleucine at codon 440 is replaced by leucine, an amino acid with highly similar properties. This alteration has been reported in at least one subject in a study of 13087 breast cancer cases and 5488 control individuals in the UK (Decker B et al. J Med Genet, 2017 11;54:732-741). This alteration was reported as functional in a study assessing CHEK2-complementation through quantification of KAP1 phosphorylation and CHK2 autophosphorylation in human RPE1-CHEK2-knockout cells (Stolarova L et al. Clin Cancer Res, 2023 Aug;29:3037-3050). This amino acid position is highly conserved in available vertebrate species. In addition, the in silico prediction for this alteration is inconclusive. Since supporting evidence is limited at this time, the clinical significance of this alteration remains unclear.

Quest Diagnostics Nichols Institute San Juan Capistrano
Classification: Uncertain significance. Last evaluated: 2025-07-31. Review status: criteria provided, single submitter. Criteria: Quest Diagnostics criteria. Collection method: clinical testing. Allele origin: unknown.
Comment: The CHEK2 c.1318A>C (p.Ile440Leu) variant has been reported in the published literature in individuals with breast cancer (PMID: 33471991 (2021), 28779002 (2017), see also LOVD). Functional studies demonstrated that this variant was not damaging to CHEK2 protein function (PMID: 37449874 (2023)). The frequency of this variant in the general population (Genome Aggregation Database) is uninformative in the assessment of its pathogenicity. Analysis of this variant using bioinformatics tools for the prediction of the effect of amino acid changes on protein structure and function yielded conflicting predictions that this variant is benign or damaging. Based on the available information, we are unable to determine the clinical significance of this variant.

Labcorp Genetics (formerly Invitae), Labcorp
Classification: Uncertain significance for Familial cancer of breast. Last evaluated: 2025-07-29. Review status: criteria provided, single submitter. Criteria: Invitae Variant Classification Sherloc (09022015). Collection method: clinical testing. Allele origin: germline.
Comment: This sequence change replaces isoleucine, which is neutral and non-polar, with leucine, which is neutral and non-polar, at codon 440 of the CHEK2 protein (p.Ile440Leu). This variant is not present in population databases (gnomAD no frequency). This variant has not been reported in the literature in individuals affected with CHEK2-related conditions. ClinVar contains an entry for this variant (Variation ID: 128057). An algorithm developed to predict the effect of missense changes on protein structure and function (PolyPhen-2) suggests that this variant is likely to be disruptive. In summary, the available evidence is currently insufficient to determine the role of this variant in disease. Therefore, it has been classified as a Variant of Uncertain Significance.

Baylor Genetics
Classification: Uncertain significance for Familial cancer of breast. Last evaluated: 2024-03-20. Review status: criteria provided, single submitter. Criteria: ACMG Guidelines, 2015. Collection method: clinical testing. Allele origin: unknown.

GeneDx
Classification: Uncertain significance. Last evaluated: 2022-09-26. Review status: criteria provided, single submitter. Criteria: GeneDx Variant Classification Process June 2021. Collection method: clinical testing. Allele origin: germline. Affected: yes.
Comment: Not observed at significant frequency in large population cohorts (gnomAD); In silico analysis supports that this missense variant does not alter protein structure/function; Has not been previously published as pathogenic or benign to our knowledge; This variant is associated with the following publications: (PMID: 22419737, 19782031)

Color Diagnostics, LLC DBA Color Health
Classification: Uncertain significance for Hereditary cancer-predisposing syndrome. Last evaluated: 2018-08-31. Review status: criteria provided, single submitter. Criteria: ACMG Guidelines, 2015. Collection method: clinical testing. Allele origin: germline.

Literature cited by the submitters: PubMed 28779002 (cited by Ambry Genetics and Quest Diagnostics Nichols Institute San Juan Capistrano); PubMed 37449874 (cited by Ambry Genetics and Quest Diagnostics Nichols Institute San Juan Capistrano); PubMed 33471991 (cited by Quest Diagnostics Nichols Institute San Juan Capistrano).

NM_007194.4(CHEK2):c.1318A>C (p.Ile440Leu)

Gene: CHEK2 (checkpoint kinase 2; minus strand). Cytogenetic location: 22q12.1.
Variant type: single nucleotide variant.
Coding change: c.1318A>C on transcript NM_007194.4 (MANE Select); coding-DNA position 1318, A replaced by C.
Protein change: p.Ile440Leu; replaces isoleucine 440 with leucine.
Molecular consequence: missense variant.
Genome position (GRCh38, 1-based): chr22:28,695,184, T>G on the plus strand (A>C on the coding strand, the complement: CHEK2 is on the minus strand). VCF-style: chr22-28695184-T-G. GRCh37 (hg19) VCF-style: chr22-29091172-T-G.
Other names: p.I440L:ATC>CTC; c.1447A>C, p.Ile483Leu (NM_001005735.3); c.655A>C, p.Ile219Leu (NM_001257387.3); c.1117A>C, p.Ile373Leu (NM_001349956.3); c.1231A>C, p.Ile411Leu (NM_145862.3); short protein forms I440L, I373L, I483L, I219L, I411L.
Identifiers: ClinVar variation 128057 (VCV000128057.23), dbSNP rs587780176, ClinGen allele CA288276.
Genomic context (GRCh38, chr22:28,695,184, plus strand): 5'-TACCTTTCTCTGAGACTTCTGCCCAGACTTCAGGAATGAAGTTGTATTTTCCACTGGTGA[T>G]CTGATCCTTCAGTGACACTTGAGTCCTATGCTCAGAGAAAGGTGGATACCCACTAAGGCT-3'
Protein context (NP_009125.1, residues 430-450): HRTQVSLKDQ[Ile440Leu]TSGKYNFIPE